The following is an entry in ClinVar:

ClinVar aggregate classification (germline): Uncertain significance. Review status: criteria provided, multiple submitters, no conflicts (2 of 4 stars). 2 submissions from 2 submitters: Uncertain significance (2). Last evaluated 2026-03-29.

Conditions:
Hereditary cancer-predisposing syndrome. Also called: Hereditary neoplastic syndrome; Neoplastic Syndromes, Hereditary; Tumor predisposition; Hereditary Cancer Syndrome. Identifiers: Orphanet 140162, MedGen C0027672, MeSH D009386, MONDO:0015356.
Familial adenomatous polyposis 1 (FAP1). Also called: FAMILIAL ADENOMATOUS POLYPOSIS 1, ATTENUATED; POLYPOSIS, ADENOMATOUS INTESTINAL. Identifiers: MedGen C2713442, MONDO:0021056, OMIM 175100. Disease mechanism: loss of function.

Allele frequency attached by ClinVar (database versions not stated): gnomAD exomes below 0.00001.
gnomAD v4.1: 1 of 1,614,220 alleles (0.000062%); highest among the groups gnomAD compares: African/African-American, 0.0013%; no homozygotes.

Submissions (2):

Ambry Genetics
Classification: Uncertain significance for Hereditary cancer-predisposing syndrome. Last evaluated: 2026-03-29. Review status: criteria provided, single submitter. Criteria: Ambry Variant Classification Scheme 2023. Collection method: clinical testing. Allele origin: germline.
Comment: The p.Q886R variant (also known as c.2657A>G), located in coding exon 15 of the APC gene, results from an A to G substitution at nucleotide position 2657. The glutamine at codon 886 is replaced by arginine, an amino acid with highly similar properties. This amino acid position is conserved. In addition, in silico predictors for this gene do not accurately predict pathogenicity. Based on the available evidence, the clinical significance of this variant remains unclear.

Labcorp Genetics (formerly Invitae), Labcorp
Classification: Uncertain significance for Familial adenomatous polyposis 1. Last evaluated: 2024-03-20. Review status: criteria provided, single submitter. Criteria: Invitae Variant Classification Sherloc (09022015). Collection method: clinical testing. Allele origin: germline.
Comment: This sequence change replaces glutamine, which is neutral and polar, with arginine, which is basic and polar, at codon 886 of the APC protein (p.Gln886Arg). This variant is not present in population databases (gnomAD no frequency). This variant has not been reported in the literature in individuals affected with APC-related conditions. ClinVar contains an entry for this variant (Variation ID: 1034908). Advanced modeling of protein sequence and biophysical properties (such as structural, functional, and spatial information, amino acid conservation, physicochemical variation, residue mobility, and thermodynamic stability) performed at Invitae indicates that this missense variant is not expected to disrupt APC protein function with a negative predictive value of 95%. In summary, the available evidence is currently insufficient to determine the role of this variant in disease. Therefore, it has been classified as a Variant of Uncertain Significance.

NM_000038.6(APC):c.2657A>G (p.Gln886Arg)

Gene: APC (APC regulator of Wnt signaling pathway; plus strand). Cytogenetic location: 5q22.2.
Variant type: single nucleotide variant.
Coding change: c.2657A>G on transcript NM_000038.6 (MANE Select); coding-DNA position 2657, A replaced by G.
Protein change: p.Gln886Arg; replaces glutamine 886 with arginine.
Molecular consequence: missense variant.
Genome position (GRCh38, 1-based): chr5:112,838,251, A>G. VCF-style: chr5-112838251-A-G. GRCh37 (hg19) VCF-style: chr5-112173948-A-G.
Other names: c.2657A>G (NM_000038.5); c.2657A>G, p.Gln886Arg (NM_001127510.3, NM_001354895.2); c.2603A>G, p.Gln868Arg (NM_001127511.3); c.2711A>G, p.Gln904Arg (NM_001354896.2); c.2687A>G, p.Gln896Arg (NM_001354897.2); c.2582A>G, p.Gln861Arg (NM_001354898.2); c.2573A>G, p.Gln858Arg (NM_001354899.2); c.2534A>G, p.Gln845Arg (NM_001354900.2); and 6 more; short protein forms Q760R, Q785R, Q827R, Q868R, Q858R, Q861R, Q896R, Q795R.
Identifiers: ClinVar variation 1034908 (VCV001034908.11), dbSNP rs1765237439, ClinGen allele CA16027133.
Genomic context (GRCh38, chr5:112,838,251, plus strand): 5'-CAACAGAAAATCCAGGAACTTCTTCAAAGCGAGGTTTGCAGATCTCCACCACTGCAGCCC[A>G]GATTGCCAAAGTCATGGAAGAAGTGTCAGCCATTCATACCTCTCAGGAAGACAGAAGTTC-3'
Protein context (NP_000029.2, residues 876-896): RGLQISTTAA[Gln886Arg]IAKVMEEVSA